The following is an entry in ClinVar:

ClinVar aggregate classification (germline): Uncertain significance (1 of 4 stars; one submission).

Submission:

Labcorp Genetics (formerly Invitae), Labcorp
Classification: Uncertain significance. Last evaluated: 2022-09-27. Review status: criteria provided, single submitter. Criteria: Invitae Variant Classification Sherloc (09022015). Collection method: clinical testing. Allele origin: germline.
Comment: This sequence change replaces threonine, which is neutral and polar, with alanine, which is neutral and non-polar, at codon 414 of the SRP54 protein (p.Thr414Ala). In summary, the available evidence is currently insufficient to determine the role of this variant in disease. Therefore, it has been classified as a Variant of Uncertain Significance. Advanced modeling of protein sequence and biophysical properties (such as structural, functional, and spatial information, amino acid conservation, physicochemical variation, residue mobility, and thermodynamic stability) performed at Invitae indicates that this missense variant is not expected to disrupt SRP54 protein function. This variant has not been reported in the literature in individuals affected with SRP54-related conditions. This variant is not present in population databases (gnomAD no frequency).

NM_003136.4(SRP54):c.1240A>G (p.Thr414Ala)

Gene: SRP54 (signal recognition particle 54; plus strand). Cytogenetic location: 14q13.2.
Variant type: single nucleotide variant.
Coding change: c.1240A>G on transcript NM_003136.4 (MANE Select); coding-DNA position 1240, A replaced by G.
Protein change: p.Thr414Ala; replaces threonine 414 with alanine.
Molecular consequence: missense variant.
Genome position (GRCh38, 1-based): chr14:35,022,993, A>G. VCF-style: chr14-35022993-A-G. GRCh37 (hg19) VCF-style: chr14-35492199-A-G.
Other names: c.1093A>G, p.Thr365Ala (NM_001146282.2); short protein forms T365A, T414A.
Identifiers: ClinVar variation 1720528 (VCV001720528.5), dbSNP rs748095811, ClinGen allele CA389448488.